The following is an entry in ClinVar:

NC_000014.8:g.(?_21795762)_(21798566_?)del

Gene: RPGRIP1 (RPGR interacting protein 1; plus strand). Cytogenetic location: 14q11.2.
Variant type: Deletion.
Identifiers: ClinVar variation 1062727 (VCV001062727.6).

ClinVar aggregate classification (germline): Uncertain significance (1 of 4 stars; one submission).

Conditions:
Cone-rod dystrophy 13 (CORD13). Identifiers: Orphanet 1872, MedGen C2750720, MONDO:0011987, OMIM 608194.
Leber congenital amaurosis 6 (LCA6). Identifiers: Orphanet 65, MedGen C1854260, MONDO:0013446, OMIM 613826.

Submission:

Labcorp Genetics (formerly Invitae), Labcorp
Classification: Uncertain significance for Leber congenital amaurosis 6; Cone-rod dystrophy 13. Last evaluated: 2023-11-27. Review status: criteria provided, single submitter. Criteria: Invitae Variant Classification Sherloc (09022015). Collection method: clinical testing. Allele origin: germline.
Comment: This variant is a gross deletion of the genomic region encompassing exon(s) 17-19 of the RPGRIP1 gene. This variant would be expected to be in-frame, preserving the integrity of the reading frame. A similar copy number variant has been observed in individual(s) with retinitis pigmentosa (PMID: 26872967). Experimental studies and prediction algorithms are not available or were not evaluated, and the functional significance of this variant is currently unknown. This variant disrupts a region of the RPGRIP1 protein in which other variant(s) (p.Pro932Ala) have been observed in individuals with RPGRIP1-related conditions (Invitae). This suggests that this is a clinically significant region of the protein, and that variants that disrupt it are likely to be disease-causing. In summary, the available evidence is currently insufficient to determine the role of this variant in disease. Therefore, it has been classified as a Variant of Uncertain Significance.

Literature cited by the submitters: PubMed 26872967.